The following is an entry in ClinVar:

NM_014874.4(MFN2):c.1605T>C (p.Ala535=)

Gene: MFN2 (mitofusin 2; plus strand). Cytogenetic location: 1p36.22.
Variant type: single nucleotide variant.
Coding change: c.1605T>C on transcript NM_014874.4 (MANE Select); coding-DNA position 1605, T replaced by C.
Protein change: p.Ala535=; no amino-acid change (alanine 535 retained).
Molecular consequence: synonymous variant.
Genome position (GRCh38, 1-based): chr1:12,005,820, T>C. VCF-style: chr1-12005820-T-C. GRCh37 (hg19) VCF-style: chr1-12065877-T-C.
Other names: c.1605T>C, p.Ala535= (NM_001127660.2); c.1605T>C (NM_014874.3).
Identifiers: ClinVar variation 1648349 (VCV001648349.10), dbSNP rs575884069, ClinGen allele CA599160.

ClinVar aggregate classification (germline): Likely benign. Review status: criteria provided, single submitter (1 of 4 stars). 2 submissions from 2 submitters: Likely benign (1). 1 of the submissions does not count toward it. Last evaluated 2025-10-27.

Conditions:
Charcot-Marie-Tooth disease type 2. Also called: Charcot-Marie-Tooth type 2. Identifiers: Orphanet 64746, MedGen C0270914, MONDO:0018993.
MFN2-related disorder. Also called: MFN2-related condition; MFN2-related disorders.

Allele frequency attached by ClinVar (database versions not stated): gnomAD exomes 0.00001; TOPMed 0.00003; 1000 Genomes Project 30x 0.00016; 1000 Genomes Project 0.00020; ExAC 0.00001; gnomAD 0.00001.
gnomAD v4.1: 6 of 1,614,238 alleles (0.00037%); highest among the groups gnomAD compares: Admixed American, 0.005%; no homozygotes.

Submissions (2):

Labcorp Genetics (formerly Invitae), Labcorp
Classification: Likely benign for Charcot-Marie-Tooth disease type 2. Last evaluated: 2025-10-27. Review status: criteria provided, single submitter. Criteria: Invitae Variant Classification Sherloc (09022015). Collection method: clinical testing. Allele origin: germline.

PreventionGenetics, part of Exact Sciences
Classification: Likely benign for MFN2-related condition. Last evaluated: 2020-08-10. Review status: no assertion criteria provided. Collection method: clinical testing. Allele origin: germline. Not counted in ClinVar's aggregate classification.
Comment: This variant is classified as likely benign based on ACMG/AMP sequence variant interpretation guidelines (Richards et al. 2015 PMID: 25741868, with internal and published modifications).